The following is an entry in ClinVar:

ClinVar aggregate classification (germline): Benign. Review status: reviewed by expert panel (3 of 4 stars). 18 submissions from 18 submitters: Benign (1). 17 of the submissions do not count toward it. Last evaluated 2023-08-22.

Conditions:
DICER1-related disorder. Also called: DICER1-related condition.
DICER1-related tumor predisposition. Also called: DICER1 syndrome; DICER1-related pleuropulmonary blastoma cancer predisposition syndrome. Identifiers: Orphanet 284343, MedGen C3839822, MONDO:0100216.
Hereditary cancer-predisposing syndrome. Also called: Tumor predisposition; Hereditary Cancer Syndrome; Neoplastic Syndromes, Hereditary; Hereditary neoplastic syndrome. Identifiers: Orphanet 140162, MedGen C0027672, MeSH D009386, MONDO:0015356.
Euthyroid goiter (MNG1). Also called: Goiter, multinodular 1, with or without Sertoli-Leydig cell tumors; GOITER, NONTOXIC, WITH INTRATHYROIDAL CALCIFICATION; MULTINODULAR GOITER, ADOLESCENT; SIMPLE GOITER. Identifiers: Orphanet 276399, MedGen C0302859, MONDO:0007681, OMIM 138800, HP:0009798.

Allele frequency attached by ClinVar (database versions not stated): 1000 Genomes Project 0.00020; gnomAD 0.00025 and 0.00027; TOPMed 0.00027; 1000 Genomes Project 30x 0.00031; ExAC 0.00035; gnomAD exomes 0.00035 and 0.00038; ESP Exome Variant Server 0.00046.
gnomAD v4.1: 591 of 1,614,134 alleles (0.037%); highest among the groups gnomAD compares: Non-Finnish European, 0.043%; 1 homozygote.

Submissions (18):

ClinGen DICER1 and miRNA-Processing Gene Variant Curation Expert Panel, ClinGen
Classification: Benign for DICER1-related tumor predisposition. Last evaluated: 2023-08-22. Review status: reviewed by expert panel. Criteria: ClinGen DICER1 ACMG Specifications DICER1 V1.2.0. Collection method: curation. Allele origin: germline. Inheritance: Autosomal dominant inheritance.
Comment: The NM_177438.2:c.1124C>G variant in DICER1 is a missense variant predicted to cause substitution of Proline by Arginine at amino acid 375 (p.Pro375Arg). This variant has been seen in 40 or more unrelated females without tumors through age 50 in at least one testing laboratory (BS2; Internal lab contributors, PMIDs 29641532, 33630087). The highest population minor allele frequency in gnomAD v2.1.1 (non-cancer) is 0.0004911 (58/118098 alleles) in the European (non-Finnish) population, which is higher than the ClinGen DICER1 VCEP threshold (>0.0003) for BS1, and therefore meets this criterion (BS1). This variant does not reside within a region of the RNAse IIIb domain that is defined as a mutational hotspot or critical functional domain by the ClinGen DICER1 VCEP (PM1 not met). The computational predictor REVEL gives a score of 0.578, which is neither above nor below the thresholds predicting a damaging or benign impact on DICER1 function (PP3 and BP4 not met). In summary, this variant meets the criteria to be classified as benign for DICER1 syndrome based on the ACMG/AMP criteria applied, as specified by the ClinGen DICER1 VCEP: BS1, BS2. (Bayesian Points: -8; VCEP specifications version 1.2.0; 08/22/23).

Labcorp Genetics (formerly Invitae), Labcorp
Classification: Benign for DICER1-related tumor predisposition. Last evaluated: 2026-02-03. Review status: criteria provided, single submitter. Criteria: Invitae Variant Classification Sherloc (09022015). Collection method: clinical testing. Allele origin: germline. Not counted in ClinVar's aggregate classification.

CeGaT Center for Human Genetics Tuebingen
Classification: Likely benign. Last evaluated: 2026-02-01. Review status: criteria provided, single submitter. Criteria: CeGaT Center For Human Genetics Tuebingen Variant Classification Criteria Version 2. Collection method: clinical testing. Allele origin: germline. Affected: yes. Observed: 3 variant alleles. Not counted in ClinVar's aggregate classification.
Comment: DICER1: PP2, BS1

Center for Genomic Medicine, Rigshospitalet, Copenhagen University Hospital
Classification: Benign. Last evaluated: 2025-03-04. Review status: criteria provided, single submitter. Criteria: ACMG Guidelines, 2015. Collection method: clinical testing. Allele origin: germline. Not counted in ClinVar's aggregate classification.

Quest Diagnostics Nichols Institute San Juan Capistrano
Classification: Likely benign. Last evaluated: 2025-02-24. Review status: criteria provided, single submitter. Criteria: Quest Diagnostics criteria. Collection method: clinical testing. Allele origin: unknown. Not counted in ClinVar's aggregate classification.

Hereditary Cancer Group, L’Institut d'Investigació Biomèdica de Bellvitge
Classification: Benign for Hereditary cancer-predisposing syndrome. Last evaluated: 2024-12-19. Review status: criteria provided, single submitter. Criteria: Hatton et al. (Hum Mutat. 2023). Collection method: clinical testing. Allele origin: germline. Inheritance: Autosomal dominant inheritance. Affected: yes. Not counted in ClinVar's aggregate classification.
Comment: BS1, BS2

Blueprint Genetics
Classification: Likely benign. Last evaluated: 2024-11-21. Review status: criteria provided, single submitter. Criteria: ACMG Guidelines, 2015. Collection method: clinical testing. Allele origin: germline. Not counted in ClinVar's aggregate classification.

Department of Pathology and Laboratory Medicine, Sinai Health System
Classification: Uncertain significance for DICER1-related tumor predisposition. Last evaluated: 2023-08-28. Review status: criteria provided, single submitter. Criteria: ACMG Guidelines, 2015. Collection method: clinical testing. Allele origin: germline. Affected: yes. Not counted in ClinVar's aggregate classification.

GeneDx
Classification: Uncertain significance. Last evaluated: 2022-08-26. Review status: criteria provided, single submitter. Criteria: GeneDx Variant Classification Process June 2021. Collection method: clinical testing. Allele origin: germline. Affected: yes. Not counted in ClinVar's aggregate classification.
Comment: In silico analysis supports that this missense variant has a deleterious effect on protein structure/function; Observed in patients with CNS sarcoma, thyroid, and other cancers, but also in unaffected controls (Slade 2011, Mandelker 2017, Pritchard 2018, Wasserman 2018, Kamihara 2020); This variant is associated with the following publications: (PMID: 21266384, 29474644, 28873162, 29641532, 28748527, 32291395)

Ambry Genetics
Classification: Likely benign for Hereditary cancer-predisposing syndrome. Last evaluated: 2022-01-27. Review status: criteria provided, single submitter. Criteria: Ambry Variant Classification Scheme 2023. Collection method: clinical testing. Allele origin: germline. Not counted in ClinVar's aggregate classification.

Institute for Clinical Genetics, University Hospital TU Dresden, University Hospital TU Dresden
Classification: Uncertain significance. Last evaluated: 2021-11-03. Review status: criteria provided, single submitter. Criteria: ACMG Guidelines, 2015. Collection method: clinical testing. Allele origin: germline. Not counted in ClinVar's aggregate classification.

Sema4
Classification: Likely benign for Hereditary cancer-predisposing syndrome. Last evaluated: 2021-05-10. Review status: criteria provided, single submitter. Criteria: Sema4 Curation Guidelines. Collection method: curation. Allele origin: germline. Not counted in ClinVar's aggregate classification.

St. Jude Molecular Pathology, St. Jude Children's Research Hospital
Classification: Likely benign for DICER1-related tumor predisposition. Last evaluated: 2020-10-07. Review status: criteria provided, single submitter. Criteria: St. Jude Assertion Criteria 2020. Collection method: clinical testing. Allele origin: germline. Affected: no. Not counted in ClinVar's aggregate classification.
Comment: The DICER1 c.1124C>G (p.Pro375Arg) missense change has a maximum subpopulation frequency of 0.05% in gnomAD v2.1.1. This population frequency is higher than expected for DICER1-related cancer predisposition syndrome (BS1, PMID: 24761742). Although this variant occurs in a gene where missense variants are more likely to be damaging based on methods described by Lek et al. (PP2; PMID: 27535533), but in silico tools are not in agreement about the effect of this variant on protein function. This variant has been reported in an individual with papillary thyroid carcinoma whose tumor harbored a somatic DICER1 p.D1810Y variant and loss of the allele that carried the germline p.P375R variant (BP5; PMID: 29474644). This suggests that this variant is not deleterious. To our knowledge, this variant has not been reported in individuals with a personal or family history suggestive of DICER1 Tumor Predisposition syndrome (internal data and literature review). In summary, this variant meets criteria to be classified as likely benign based on the ACMG/AMP criteria: BS1, BP5, PP2.

Baylor Genetics
Classification: Uncertain significance for Euthyroid goiter. Last evaluated: 2020-04-10. Review status: criteria provided, single submitter. Criteria: ACMG Guidelines, 2015. Collection method: clinical testing. Allele origin: paternal. Affected: yes. Study: CSER-TexasKidsCanSeq. Not counted in ClinVar's aggregate classification.
Comment: This variant was determined to be of uncertain significance according to ACMG Guidelines, 2015 [PMID:25741868].

Foulkes Cancer Genetics LDI, Lady Davis Institute for Medical Research
Classification: Benign. Last evaluated: 2019-07-01. Review status: criteria provided, single submitter. Criteria: ACMG Guidelines, 2015. Collection method: curation. Allele origin: germline. Affected: yes. Observed: 1 variant allele. Not counted in ClinVar's aggregate classification.
Comment: ACMG criteria met: PP5, BS1, BS2, BP1

Illumina Laboratory Services, Illumina
Classification: Benign for Pleuropulmonary blastoma. Last evaluated: 2018-01-12. Review status: criteria provided, single submitter. Criteria: ICSL Variant Classification Criteria 13 December 2019. Collection method: clinical testing. Allele origin: germline. Not counted in ClinVar's aggregate classification.
Comment: This variant was observed in the ICSL laboratory as part of a predisposition screen in an ostensibly healthy population. It had not been previously curated by ICSL or reported in the Human Gene Mutation Database (HGMD: prior to June 1st, 2018), and was therefore a candidate for classification through an automated scoring system. Utilizing variant allele frequency, disease prevalence and penetrance estimates, and inheritance mode, an automated score was calculated to assess if this variant is too frequent to cause the disease. Based on the score and internal cut-off values, a variant classified as benign is not then subjected to further curation. The score for this variant resulted in a classification of benign for this disease.

Genetic Services Laboratory, University of Chicago
Classification: Uncertain significance. Last evaluated: 2022-05-09. Review status: no assertion criteria provided. Collection method: clinical testing. Allele origin: germline. Affected: no. Not counted in ClinVar's aggregate classification.
Comment: DNA sequence analysis of the DICER1 gene demonstrated a sequence change, c.1124C>G, in exon 8 that results in an amino acid change, p.Pro375Arg. This sequence change does not appear to have been previously described in individuals with DICER1-related disorders. This sequence change has been described in the gnomAD database with a frequency of 0.050% in the European subpopulation (dbSNP rs148758903). The p.Pro375Arg change affects a highly conserved amino acid residue located in a domain of the DICER1 protein that is not known to be functional. In-silico pathogenicity prediction tools (SIFT, PolyPhen2, Align GVGD, REVEL) provide contradictory results for the p.Pro375Arg substitution. Due to insufficient evidences and the lack of functional studies, the clinical significance of the p.Pro375Arg change remains unknown at this time.

PreventionGenetics, part of Exact Sciences
Classification: Likely benign for DICER1-related condition. Last evaluated: 2022-04-20. Review status: no assertion criteria provided. Collection method: clinical testing. Allele origin: germline. Not counted in ClinVar's aggregate classification.
Comment: This variant is classified as likely benign based on ACMG/AMP sequence variant interpretation guidelines (Richards et al. 2015 PMID: 25741868, with internal and published modifications).

Literature cited by the submitters: PubMed 29474644 (cited by 4 submitters); PubMed 32291395 (cited by Quest Diagnostics Nichols Institute San Juan Capistrano and Department of Pathology and Laboratory Medicine, Sinai Health System); PubMed 29641532 (cited by Ambry Genetics).

NM_177438.3(DICER1):c.1124C>G (p.Pro375Arg)

Gene: DICER1 (dicer 1, ribonuclease III; minus strand). Cytogenetic location: 14q32.13.
Variant type: single nucleotide variant.
Coding change: c.1124C>G on transcript NM_177438.3 (MANE Select); coding-DNA position 1124, C replaced by G.
Protein change: p.Pro375Arg; replaces proline 375 with arginine.
Molecular consequence: missense variant.
Genome position (GRCh38, 1-based): chr14:95,124,448, G>C on the plus strand (C>G on the coding strand, the complement: DICER1 is on the minus strand). VCF-style: chr14-95124448-G-C. GRCh37 (hg19) VCF-style: chr14-95590785-G-C.
Other names: NM_177438.3(DICER1):c.1124C>G; p.Pro375Arg; c.1124C>G, p.Pro375Arg (NM_001195573.1, NM_001271282.3, NM_001291628.2 and 1 more transcripts); short protein forms P375R.
Identifiers: ClinVar variation 242032 (VCV000242032.69), dbSNP rs148758903, ClinGen allele CA7331526.